The following is an entry in ClinVar:

ClinVar aggregate classification (germline): Uncertain significance (1 of 4 stars; one submission).

Conditions:
Joubert syndrome. Also called: CEREBELLOPARENCHYMAL DISORDER IV; JOUBERT-BOLTSHAUSER SYNDROME; Familial aplasia of the vermis. Identifiers: Orphanet 475, MedGen C5979921, MONDO:0018772.
Meckel-Gruber syndrome. Also called: DYSENCEPHALIA SPLANCHNOCYSTICA; GRUBER SYNDROME; Dysencephalia splachnocystica. Identifiers: Orphanet 564, MedGen C0265215, MONDO:0018921.

Submission:

Labcorp Genetics (formerly Invitae), Labcorp
Classification: Uncertain significance for Joubert syndrome; Meckel-Gruber syndrome. Last evaluated: 2022-03-04. Review status: criteria provided, single submitter. Criteria: Invitae Variant Classification Sherloc (09022015). Collection method: clinical testing. Allele origin: germline.
Comment: This variant results in a copy number gain of the genomic region encompassing exon(s) 1-2 of the B9D1 gene. This region includes the initiator codon of the gene. This copy number gain extends beyond the assayed region for this gene and therefore may encompass additional genes. As the precise location of this event is unknown, it may be in tandem or it may be located elsewhere in the genome. This variant has not been reported in the literature in individuals affected with B9D1-related conditions. Experimental studies and prediction algorithms are not available or were not evaluated, and the functional significance of this variant is currently unknown. In summary, the available evidence is currently insufficient to determine the role of this variant in disease. Therefore, it has been classified as a Variant of Uncertain Significance.

NC_000017.10:g.(?_19263613)_(19265882_?)dup

Gene: B9D1 (B9 domain containing 1; minus strand). Cytogenetic location: 17p11.2.
Variant type: Duplication.
Identifiers: ClinVar variation 2426211 (VCV002426211.2).